The following is an entry in ClinVar:

ClinVar aggregate classification (germline): Uncertain significance (1 of 4 stars; one submission).

gnomAD v4.1: 12 of 1,610,396 alleles (0.00075%); highest among the groups gnomAD compares: Non-Finnish European, 0.00093%; no homozygotes.

Submission:

Ambry Genetics
Classification: Uncertain significance. Last evaluated: 2023-09-06. Review status: criteria provided, single submitter. Criteria: Ambry Variant Classification Scheme 2023. Collection method: clinical testing. Allele origin: germline.
Comment: The p.S1495T variant (also known as c.4484G>C), located in coding exon 16 of the POLQ gene, results from a G to C substitution at nucleotide position 4484. The serine at codon 1495 is replaced by threonine, an amino acid with similar properties. This amino acid position is conserved. In addition, this alteration is predicted to be tolerated by in silico analysis. Since supporting evidence is limited at this time, the clinical significance of this alteration remains unclear.

NM_199420.4(POLQ):c.4484G>C (p.Ser1495Thr)

Gene: POLQ (DNA polymerase theta; minus strand). Cytogenetic location: 3q13.33.
Variant type: single nucleotide variant.
Coding change: c.4484G>C on transcript NM_199420.4 (MANE Select); coding-DNA position 4484, G replaced by C.
Protein change: p.Ser1495Thr; replaces serine 1495 with threonine.
Molecular consequence: missense variant.
Genome position (GRCh38, 1-based): chr3:121,488,447, C>G on the plus strand (G>C on the coding strand, the complement: POLQ is on the minus strand). VCF-style: chr3-121488447-C-G. GRCh37 (hg19) VCF-style: chr3-121207294-C-G.
Other names: short protein forms S1495T.
Identifiers: ClinVar variation 2625854 (VCV002625854.2), dbSNP rs749571039, ClinGen allele CA354094982.